The following is an entry in ClinVar:

ClinVar aggregate classification (germline): Uncertain significance (1 of 4 stars; one submission).

Conditions:
Hereditary cancer-predisposing syndrome. Also called: Neoplastic Syndromes, Hereditary; Tumor predisposition; Hereditary neoplastic syndrome; Hereditary Cancer Syndrome. Identifiers: Orphanet 140162, MedGen C0027672, MeSH D009386, MONDO:0015356.

gnomAD v4.1: 1 of 1,614,190 alleles (0.000062%); highest among the groups gnomAD compares: East Asian, 0.0022%; no homozygotes.

Submission:

Ambry Genetics
Classification: Uncertain significance for Hereditary cancer-predisposing syndrome. Last evaluated: 2020-02-13. Review status: criteria provided, single submitter. Criteria: Ambry Variant Classification Scheme 2023. Collection method: clinical testing. Allele origin: germline.
Comment: The p.P329T variant (also known as c.985C>A), located in coding exon 8 of the SUFU gene, results from a C to A substitution at nucleotide position 985. The proline at codon 329 is replaced by threonine, an amino acid with highly similar properties. This amino acid position is not well conserved in available vertebrate species. In addition, this alteration is predicted to be tolerated by in silico analysis. Since supporting evidence is limited at this time, the clinical significance of this alteration remains unclear.

NM_016169.4(SUFU):c.985C>A (p.Pro329Thr)

Gene: SUFU (SUFU negative regulator of hedgehog signaling; plus strand). Cytogenetic location: 10q24.32.
Variant type: single nucleotide variant.
Coding change: c.985C>A on transcript NM_016169.4 (MANE Select); coding-DNA position 985, C replaced by A.
Protein change: p.Pro329Thr; replaces proline 329 with threonine.
Molecular consequence: missense variant.
Genome position (GRCh38, 1-based): chr10:102,599,507, C>A. VCF-style: chr10-102599507-C-A. GRCh37 (hg19) VCF-style: chr10-104359264-C-A.
Other names: c.985C>A, p.Pro329Thr (NM_001178133.2); short protein forms P329T.
Identifiers: ClinVar variation 3226895 (VCV003226895.1), dbSNP rs2063496120, ClinGen allele CA377911142.